The following is an entry in ClinVar:

ClinVar aggregate classification (germline): Uncertain significance (1 of 4 stars; one submission).

Conditions:
Deficiency of aromatic-L-amino-acid decarboxylase. Also called: AADC DEFICIENCY; Aromatic amino acid decarboxylase deficiency; DDC DEFICIENCY; DOPA DECARBOXYLASE DEFICIENCY; Aromatic L-Amino Acid Decarboxylase Deficiency. Identifiers: Orphanet 35708, MedGen C1291564, MONDO:0012084, OMIM 608643.

Allele frequency attached by ClinVar (database versions not stated): ExAC 0.00003; gnomAD exomes 0.00003; TOPMed 0.00008; gnomAD 0.00009.

Submission:

Labcorp Genetics (formerly Invitae), Labcorp
Classification: Uncertain significance for Deficiency of aromatic-L-amino-acid decarboxylase. Last evaluated: 2022-08-22. Review status: criteria provided, single submitter. Criteria: Invitae Variant Classification Sherloc (09022015). Collection method: clinical testing. Allele origin: germline.
Comment: This sequence change replaces arginine, which is basic and polar, with tryptophan, which is neutral and slightly polar, at codon 166 of the DDC protein (p.Arg166Trp). This variant is present in population databases (rs761191841, gnomAD 0.03%). This variant has not been reported in the literature in individuals affected with DDC-related conditions. Algorithms developed to predict the effect of missense changes on protein structure and function (SIFT, PolyPhen-2, Align-GVGD) all suggest that this variant is likely to be disruptive. In summary, the available evidence is currently insufficient to determine the role of this variant in disease. Therefore, it has been classified as a Variant of Uncertain Significance.

NM_001082971.2(DDC):c.496C>T (p.Arg166Trp)

Gene: DDC (dopa decarboxylase; minus strand). Cytogenetic location: 7p12.1.
Variant type: single nucleotide variant.
Coding change: c.496C>T on transcript NM_001082971.2 (MANE Select); coding-DNA position 496, C replaced by T.
Protein change: p.Arg166Trp; replaces arginine 166 with tryptophan.
Molecular consequence: missense variant. On other transcripts: intron variant (1).
Genome position (GRCh38, 1-based): chr7:50,529,282, G>A on the plus strand (C>T on the coding strand, the complement: DDC is on the minus strand). VCF-style: chr7-50529282-G-A. GRCh37 (hg19) VCF-style: chr7-50596980-G-A.
Other names: c.496C>T, p.Arg166Trp (NM_000790.4, NM_001242887.2, NM_001242890.2); c.382C>T, p.Arg128Trp (NM_001242886.2); c.262C>T, p.Arg88Trp (NM_001242888.2); c.435+8578C>T (NM_001242889.2); short protein forms R166W, R88W, R128W.
Identifiers: ClinVar variation 2076336 (VCV002076336.1), dbSNP rs761191841, ClinGen allele CA4262353.